The following is an entry in ClinVar:

ClinVar aggregate classification (germline): Uncertain significance (1 of 4 stars; one submission).

Conditions:
Catecholaminergic polymorphic ventricular tachycardia 1. Also called: VENTRICULAR TACHYCARDIA, CATECHOLAMINERGIC POLYMORPHIC, 1, WITH OR WITHOUT ATRIAL DYSFUNCTION AND/OR DILATED CARDIOMYOPATHY; RYR2-Related Catecholaminergic Polymorphic Ventricular Tachycardia; VENTRICULAR TACHYCARDIA, STRESS-INDUCED POLYMORPHIC 1. Identifiers: Orphanet 3286, MedGen C1631597, MONDO:0011484, OMIM 604772.

Submission:

Labcorp Genetics (formerly Invitae), Labcorp
Classification: Uncertain significance for Catecholaminergic polymorphic ventricular tachycardia 1. Last evaluated: 2024-12-31. Review status: criteria provided, single submitter. Criteria: Invitae Variant Classification Sherloc (09022015). Collection method: clinical testing. Allele origin: germline.
Comment: This sequence change replaces isoleucine, which is neutral and non-polar, with methionine, which is neutral and non-polar, at codon 588 of the RYR2 protein (p.Ile588Met). This variant is not present in population databases (gnomAD no frequency). This variant has not been reported in the literature in individuals affected with RYR2-related conditions. Invitae Evidence Modeling of protein sequence and biophysical properties (such as structural, functional, and spatial information, amino acid conservation, physicochemical variation, residue mobility, and thermodynamic stability) has been performed for this missense variant. However, the output from this modeling did not meet the statistical confidence thresholds required to predict the impact of this variant on RYR2 protein function. In summary, the available evidence is currently insufficient to determine the role of this variant in disease. Therefore, it has been classified as a Variant of Uncertain Significance.

NM_001035.3(RYR2):c.1764T>G (p.Ile588Met)

Gene: RYR2 (ryanodine receptor 2; plus strand). Cytogenetic location: 1q43.
Variant type: single nucleotide variant.
Coding change: c.1764T>G on transcript NM_001035.3 (MANE Select); coding-DNA position 1764, T replaced by G.
Protein change: p.Ile588Met; replaces isoleucine 588 with methionine.
Molecular consequence: missense variant.
Genome position (GRCh38, 1-based): chr1:237,491,861, T>G. VCF-style: chr1-237491861-T-G. GRCh37 (hg19) VCF-style: chr1-237655161-T-G.
Other names: short protein forms I588M.
Identifiers: ClinVar variation 3633782 (VCV003633782.2).